The following is an entry in ClinVar:

ClinVar aggregate classification (germline): Pathogenic. Review status: criteria provided, multiple submitters, no conflicts (2 of 4 stars). 3 submissions from 3 submitters: Pathogenic (3). Last evaluated 2024-04-09.

Conditions:
Usher syndrome type 2A. Also called: RETINAL DISEASE IN USHER SYNDROME TYPE IIA, MODIFIER OF; USHER SYNDROME, TYPE IIA. Identifiers: Orphanet 231178, Orphanet 886, MedGen C1848634, MONDO:0010169, OMIM 276901.
Retinitis pigmentosa 39 (RP39). Identifiers: Orphanet 791, MedGen C3151138, MONDO:0013436, OMIM 613809.

Allele frequency attached by ClinVar (database versions not stated): gnomAD exomes below 0.00001.
gnomAD v4.1: 1 of 1,614,144 alleles (0.000062%); highest among the groups gnomAD compares: Non-Finnish European, 0.000085%; no homozygotes.

Submissions (3):

Natera, Inc.
Classification: Pathogenic for Usher syndrome type 2A. Last evaluated: 2024-04-09. Review status: criteria provided, single submitter. Criteria: Natera Variant Classification Schema (03/2026). Collection method: clinical testing. Allele origin: germline.
Comment: The c.13128G>A variant in USH2A is a nonsense variant predicted to introduce a stop codon at amino acid 4376. This variant is expected to result in nonsense mediated decay, truncation, or a dysfunctional protein product. This variant is rare in the general population with a frequency below the threshold expected for the associated phenotype(s). This variant has been observed in one or more individuals affected with the associated recessive disease, as either homozygous or compound heterozygous with a second variant (PMID: 35452909). Additionally, this variant has been observed to segregate in affected family members (PMID: 35452909). Given the available evidence, this variant is classified as Pathogenic.

Baylor Genetics
Classification: Pathogenic for Retinitis pigmentosa 39. Last evaluated: 2023-10-25. Review status: criteria provided, single submitter. Criteria: ACMG Guidelines, 2015. Collection method: clinical testing. Allele origin: unknown.

Institute of Medical Genetics and Applied Genomics, University Hospital Tübingen
Classification: Pathogenic. Last evaluated: 2020-10-23. Review status: criteria provided, single submitter. Criteria: ACMG Guidelines, 2015. Collection method: clinical testing. Allele origin: germline. Inheritance: Autosomal recessive inheritance. Affected: yes.

Literature cited by the submitters: PubMed 35452909 (cited by Natera, Inc.).

NM_206933.4(USH2A):c.13128G>A (p.Trp4376Ter)

Gene: USH2A (usherin; minus strand). Cytogenetic location: 1q41.
Variant type: single nucleotide variant.
Coding change: c.13128G>A on transcript NM_206933.4 (MANE Select); coding-DNA position 13128, G replaced by A.
Protein change: p.Trp4376Ter; replaces tryptophan 4376 with a stop codon.
Molecular consequence: nonsense.
Genome position (GRCh38, 1-based): chr1:215,674,783, C>T on the plus strand (G>A on the coding strand, the complement: USH2A is on the minus strand). VCF-style: chr1-215674783-C-T. GRCh37 (hg19) VCF-style: chr1-215848125-C-T.
Other names: c.13128G>A (NM_206933.2); short protein forms W4376*.
Identifiers: ClinVar variation 986970 (VCV000986970.4), dbSNP rs1349682845, ClinGen allele CA344846482.